The following is an entry in ClinVar:

ClinVar aggregate classification (germline): Uncertain significance (1 of 4 stars; one submission).

Allele frequency attached by ClinVar (database versions not stated): gnomAD exomes below 0.00001.
gnomAD v4.1: 2 of 1,612,324 alleles (0.00012%); highest among the groups gnomAD compares: Non-Finnish European, 0.00017%; no homozygotes.

Submission:

Labcorp Genetics (formerly Invitae), Labcorp
Classification: Uncertain significance. Last evaluated: 2022-08-28. Review status: criteria provided, single submitter. Criteria: Invitae Variant Classification Sherloc (09022015). Collection method: clinical testing. Allele origin: germline.
Comment: In summary, the available evidence is currently insufficient to determine the role of this variant in disease. Therefore, it has been classified as a Variant of Uncertain Significance. Algorithms developed to predict the effect of missense changes on protein structure and function are either unavailable or do not agree on the potential impact of this missense change (SIFT: "Tolerated"; PolyPhen-2: "Probably Damaging"; Align-GVGD: "Class C0"). This variant has not been reported in the literature in individuals affected with PDE6B-related conditions. This variant is not present in population databases (gnomAD no frequency). This sequence change replaces leucine, which is neutral and non-polar, with phenylalanine, which is neutral and non-polar, at codon 734 of the PDE6B protein (p.Leu734Phe).

NM_000283.4(PDE6B):c.2200C>T (p.Leu734Phe)

Gene: PDE6B (phosphodiesterase 6B; plus strand). Cytogenetic location: 4p16.3.
Variant type: single nucleotide variant.
Coding change: c.2200C>T on transcript NM_000283.4 (MANE Select); coding-DNA position 2200, C replaced by T.
Protein change: p.Leu734Phe; replaces leucine 734 with phenylalanine.
Molecular consequence: missense variant.
Genome position (GRCh38, 1-based): chr4:665,261, C>T. VCF-style: chr4-665261-C-T. GRCh37 (hg19) VCF-style: chr4-659050-C-T.
Other names: c.2200C>T, p.Leu734Phe (NM_001145291.2); c.1363C>T, p.Leu455Phe (NM_001145292.2, NM_001350154.3, NM_001379246.1 and 1 more transcripts); c.1045C>T, p.Leu349Phe (NM_001350155.3); short protein forms L349F, L455F, L734F.
Identifiers: ClinVar variation 2090845 (VCV002090845.4), dbSNP rs2474293222, ClinGen allele CA355919919.